The following is an entry in ClinVar:

ClinVar aggregate classification (germline): Likely benign (1 of 4 stars; one submission).

gnomAD v4.1: 30 of 1,613,820 alleles (0.0019%); highest among the groups gnomAD compares: African/African-American, 0.019%; no homozygotes.

Submission:

CeGaT Center for Human Genetics Tuebingen
Classification: Likely benign. Last evaluated: 2026-03-01. Review status: criteria provided, single submitter. Criteria: CeGaT Center For Human Genetics Tuebingen Variant Classification Criteria Version 2. Collection method: clinical testing. Allele origin: germline. Affected: yes. Observed: 1 variant allele.
Comment: CNOT1: BP4, BP7

NM_016284.5(CNOT1):c.4434+36G>A

Gene: CNOT1 (CCR4-NOT transcription complex subunit 1; minus strand). Cytogenetic location: 16q21.
Variant type: single nucleotide variant.
Coding change: c.4434+36G>A on transcript NM_016284.5 (MANE Select); 36 bases into the intron after coding-DNA position 4434, G replaced by A.
Molecular consequence: intron variant. On other transcripts: synonymous variant (1).
Genome position (GRCh38, 1-based): chr16:58,543,571, C>T on the plus strand (G>A on the coding strand, the complement: CNOT1 is on the minus strand). VCF-style: chr16-58543571-C-T. GRCh37 (hg19) VCF-style: chr16-58577475-C-T.
Other names: c.4470G>A, p.Thr1490= (NM_206999.3); c.4419+36G>A (NM_001265612.2).
Identifiers: ClinVar variation 4821890 (VCV004821890.4).
Genomic context (GRCh38, chr16:58,543,571, plus strand): 5'-TGGTAACGCCCAGTGCCATATATAGACAAAGAAAAAAATTATTACAGACAAGCAGTAATA[C>T]GTTTTGTACCTATACCAAGGAAATAGCCAACTTACACGAAGGGCTGAGGCAAAACTGTTT-3'